The following is an entry in ClinVar:

NM_005585.5(SMAD6):c.726G>T (p.Lys242Asn)

Gene: SMAD6 (SMAD family member 6; plus strand). Cytogenetic location: 15q22.31.
Variant type: single nucleotide variant.
Coding change: c.726G>T on transcript NM_005585.5 (MANE Select); coding-DNA position 726, G replaced by T.
Protein change: p.Lys242Asn; replaces lysine 242 with asparagine.
Molecular consequence: missense variant. On other transcripts: non-coding transcript variant (1).
Genome position (GRCh38, 1-based): chr15:66,703,984, G>T. VCF-style: chr15-66703984-G-T. GRCh37 (hg19) VCF-style: chr15-66996322-G-T.
Other names: short protein forms K242N.
Identifiers: ClinVar variation 4281243 (VCV004281243.7).
Genomic context (GRCh38, chr15:66,703,984, plus strand): 5'-GCAGCTGCTGCTCGGCCGCCTCTTTCGCTGGCCCGACCTGCAGCACGCCGTGGAGCTGAA[G>T]CCCCTGTGCGGCTGCCACAGCTTCGCCGCCGCCGCCGACGGCCCTACCGTGTGCTGCAAC-3'
Protein context (NP_005576.3, residues 232-252): WPDLQHAVEL[Lys242Asn]PLCGCHSFAA

ClinVar aggregate classification (germline): Uncertain significance (1 of 4 stars; one submission).

gnomAD v4.1: 2 of 1,474,348 alleles (0.00014%); highest among the groups gnomAD compares: African/African-American, 0.0015%; no homozygotes.

Submission:

CeGaT Center for Human Genetics Tuebingen
Classification: Uncertain significance. Last evaluated: 2025-09-01. Review status: criteria provided, single submitter. Criteria: CeGaT Center For Human Genetics Tuebingen Variant Classification Criteria Version 2. Collection method: clinical testing. Allele origin: germline. Affected: yes. Observed: 2 variant alleles.
Comment: SMAD6: PP3, BS3:Supporting